The following is an entry in ClinVar:

ClinVar aggregate classification (germline): Likely benign. Review status: criteria provided, multiple submitters, no conflicts (2 of 4 stars). 2 submissions from 2 submitters: Likely benign (2). Last evaluated 2023-12-09.

Allele frequency attached by ClinVar (database versions not stated): gnomAD exomes 0.00001; TOPMed 0.00001; ExAC 0.00003; ESP Exome Variant Server 0.00008.

Submissions (2):

Labcorp Genetics (formerly Invitae), Labcorp
Classification: Likely benign. Last evaluated: 2023-12-09. Review status: criteria provided, single submitter. Criteria: Invitae Variant Classification Sherloc (09022015). Collection method: clinical testing. Allele origin: germline.

CeGaT Center for Human Genetics Tuebingen
Classification: Likely benign. Last evaluated: 2023-05-01. Review status: criteria provided, single submitter. Criteria: CeGaT Center For Human Genetics Tuebingen Variant Classification Criteria Version 2. Collection method: clinical testing. Allele origin: germline. Affected: yes. Observed: 1 variant allele.
Comment: CEP152: BP4, BP7

NM_001194998.2(CEP152):c.4500A>G (p.Gly1500=)

Gene: CEP152 (centrosomal protein 152; minus strand). Cytogenetic location: 15q21.1.
Variant type: single nucleotide variant.
Coding change: c.4500A>G on transcript NM_001194998.2 (MANE Select); coding-DNA position 4500, A replaced by G.
Protein change: p.Gly1500=; no amino-acid change (glycine 1500 retained).
Molecular consequence: synonymous variant.
Genome position (GRCh38, 1-based): chr15:48,738,882, T>C on the plus strand (A>G on the coding strand, the complement: CEP152 is on the minus strand). VCF-style: chr15-48738882-T-C. GRCh37 (hg19) VCF-style: chr15-49031079-T-C.
Other names: c.4332A>G, p.Gly1444= (NM_014985.4).
Identifiers: ClinVar variation 1947762 (VCV001947762.29), dbSNP rs199649654, ClinGen allele CA7548085.
Genomic context (GRCh38, chr15:48,738,882, plus strand): 5'-CATGCATCCTGATTCAGAAGGACCAGGGGTACATCTAGGTGAGGGTTTATTTCCTAAGGT[T>C]CCAAGAAAGGGGTATGCAGCTGAATGCGGAAGTGATTCAGAACCATTATCACTGAGTAGG-3'
Protein context (NP_001181927.1, residues 1490-1510): LPHSAAYPFL[Gly1500=]TLGNKPSPRC